The following is an entry in ClinVar:

ClinVar aggregate classification (germline): Pathogenic/Likely pathogenic. Review status: criteria provided, multiple submitters, no conflicts (2 of 4 stars). 2 submissions from 2 submitters: Pathogenic (1); Likely pathogenic (1). Last evaluated 2026-07-22.

Conditions:
Myoclonic dystonia 11 (DYT11). Also called: DYT-SGCE; Myoclonic dystonia; Dystonia 11; Dystonia, alcohol responsive; Hereditary essential myoclonus; SGCE Myoclonus-Dystonia. Identifiers: Orphanet 36899, MedGen C1834570, MONDO:0008044, OMIM 159900.

Submissions (2):

Institute of Medical Genetics and Applied Genomics, University Hospital Tübingen
Classification: Likely pathogenic for Myoclonic dystonia 11. Last evaluated: 2026-07-22. Review status: criteria provided, single submitter. Criteria: ACMG Guidelines, 2015. Collection method: clinical testing. Allele origin: germline. Inheritance: Autosomal dominant inheritance. Affected: yes.

Labcorp Genetics (formerly Invitae), Labcorp
Classification: Pathogenic for Myoclonic dystonia 11. Last evaluated: 2021-09-26. Review status: criteria provided, single submitter. Criteria: Invitae Variant Classification Sherloc (09022015). Collection method: clinical testing. Allele origin: germline.
Comment: For these reasons, this variant has been classified as Pathogenic. This variant has not been reported in the literature in individuals affected with SGCE-related conditions. This variant is not present in population databases (ExAC no frequency). This sequence change creates a premature translational stop signal (p.Gly299*) in the SGCE gene. It is expected to result in an absent or disrupted protein product. Loss-of-function variants in SGCE are known to be pathogenic (PMID: 12821748, 15389977, 17853490, 24297365).

Literature cited by the submitters: PubMed 12821748 (cited by Labcorp Genetics (formerly Invitae), Labcorp); PubMed 15389977 (cited by Labcorp Genetics (formerly Invitae), Labcorp); PubMed 17853490 (cited by Labcorp Genetics (formerly Invitae), Labcorp); PubMed 24297365 (cited by Labcorp Genetics (formerly Invitae), Labcorp).

NM_003919.3(SGCE):c.895G>T (p.Gly299Ter)

Genes: CASD1 (CAS1 domain sialic acid O acetyltransferase 1; plus strand), SGCE (sarcoglycan epsilon; minus strand). Cytogenetic location: 7q21.3.
Variant type: single nucleotide variant.
Coding change: c.895G>T on transcript NM_003919.3 (MANE Select); coding-DNA position 895, G replaced by T.
Protein change: p.Gly299Ter; replaces glycine 299 with a stop codon.
Molecular consequence: nonsense.
Genome position (GRCh38, 1-based): chr7:94,600,788, C>A on the plus strand (G>T on the coding strand, the complement: SGCE is on the minus strand). VCF-style: chr7-94600788-C-A. GRCh37 (hg19) VCF-style: chr7-94230100-C-A.
Other names: c.895G>T, p.Gly299Ter (NM_001099400.2, NM_001099401.2, NM_001346717.2); c.772G>T, p.Gly258Ter (NM_001301139.2, NM_001362809.2); c.1003G>T, p.Gly335Ter (NM_001346713.2, NM_001346715.2); c.808G>T, p.Gly270Ter (NM_001346719.2, NM_001362807.2); c.622G>T, p.Gly208Ter (NM_001346720.2, NM_001362808.2); short protein forms G299*, G208*, G258*, G270*, G335*.
Identifiers: ClinVar variation 1446049 (VCV001446049.7), dbSNP rs765792098, ClinGen allele CA368231031.
Genomic context (GRCh38, chr7:94,600,788, plus strand): 5'-TTAGGAAATCCGTGTAATAGTCTCTGCTTTTCAAAGAATCAGAAGGGGGTTTGTATTCTC[C>A]ACCATCAGGTAAAATCCCCTCTCCACGAATCACTTCCTGATAGGTGGACACTTGCTTTGT-3'